The following is an entry in ClinVar:

NM_000088.4(COL1A1):c.867dup (p.Gly290fs)

Genes: COL1A1 (collagen type I alpha 1 chain; minus strand), LOC126862586 (CDK7 strongly-dependent group 2 enhancer GRCh37_chr17:48273702-48274901; plus strand). Cytogenetic location: 17q21.33.
Variant type: Duplication.
Coding change: c.867dup on transcript NM_000088.4 (MANE Select); coding-DNA position 867, one base duplicated (T; older notation c.867dupT).
Protein change: p.Gly290fs; shifts the reading frame from glycine 290.
Molecular consequence: frameshift variant.
Genome position (GRCh38, 1-based): chr17:50,196,520, A duplicated on the plus strand (T on the coding strand, the reverse complement: COL1A1 is on the minus strand). VCF-style (leftmost placement, unchanged base first): chr17-50196519-C-CA. GRCh37 (hg19) VCF-style: chr17-48273880-C-CA.
Other names: short protein forms G290fs.
Identifiers: ClinVar variation 3653821 (VCV003653821.2).

ClinVar aggregate classification (germline): Pathogenic (1 of 4 stars; one submission).

Conditions:
Osteogenesis imperfecta type I (OI1). Also called: Lobstein's Disease; Lobstein disease; Classic Non-deforming Osteogenesis Imperfecta with Blue Sclerae; OI, TYPE I; OSTEOGENESIS IMPERFECTA TARDA; OSTEOGENESIS IMPERFECTA WITH BLUE SCLERAE. Identifiers: Orphanet 216796, Orphanet 666, MedGen C0023931, MONDO:0008146, OMIM 166200. Disease mechanism: loss of function.

Submission:

Labcorp Genetics (formerly Invitae), Labcorp
Classification: Pathogenic for Osteogenesis imperfecta type I. Last evaluated: 2024-05-18. Review status: criteria provided, single submitter. Criteria: Invitae Variant Classification Sherloc (09022015). Collection method: clinical testing. Allele origin: germline.
Comment: This sequence change creates a premature translational stop signal (p.Gly290Trpfs*5) in the COL1A1 gene. It is expected to result in an absent or disrupted protein product. Loss-of-function variants in COL1A1 are known to be pathogenic (PMID: 7942841, 9295084, 9443882). This variant is not present in population databases (gnomAD no frequency). This variant has not been reported in the literature in individuals affected with COL1A1-related conditions. For these reasons, this variant has been classified as Pathogenic.

Literature cited by the submitters: PubMed 7942841; PubMed 9295084; PubMed 9443882.